The following is an entry in ClinVar:

ClinVar aggregate classification (germline): Pathogenic/Likely pathogenic. Review status: criteria provided, multiple submitters, no conflicts (2 of 4 stars). 2 submissions from 2 submitters: Pathogenic (1); Likely pathogenic (1). Last evaluated 2024-02-14.

Conditions:
Bardet-Biedl syndrome 4 (BBS4). Identifiers: Orphanet 110, MedGen C2936864, MONDO:0014433, OMIM 615982.
Bardet-Biedl syndrome (BBS). Identifiers: Orphanet 110, MedGen C0752166, MONDO:0015229.

Allele frequency attached by ClinVar (database versions not stated): gnomAD exomes below 0.00001; ExAC 0.00001.

Submissions (2):

Baylor Genetics
Classification: Likely pathogenic for Bardet-Biedl syndrome 4. Last evaluated: 2024-02-14. Review status: criteria provided, single submitter. Criteria: ACMG Guidelines, 2015. Collection method: clinical testing. Allele origin: unknown.

Labcorp Genetics (formerly Invitae), Labcorp
Classification: Pathogenic for Bardet-Biedl syndrome. Last evaluated: 2023-03-18. Review status: criteria provided, single submitter. Criteria: Invitae Variant Classification Sherloc (09022015). Collection method: clinical testing. Allele origin: germline.
Comment: This sequence change creates a premature translational stop signal (p.Gln422*) in the BBS4 gene. It is expected to result in an absent or disrupted protein product. Loss-of-function variants in BBS4 are known to be pathogenic (PMID: 11381270, 12016587, 20177705, 27894351). This variant is present in population databases (rs780827837, gnomAD 0.0009%). This variant has not been reported in the literature in individuals affected with BBS4-related conditions. ClinVar contains an entry for this variant (Variation ID: 2185519). Algorithms developed to predict the effect of sequence changes on RNA splicing suggest that this variant may disrupt the consensus splice site. For these reasons, this variant has been classified as Pathogenic.

Literature cited by the submitters: PubMed 11381270 (cited by Labcorp Genetics (formerly Invitae), Labcorp); PubMed 12016587 (cited by Labcorp Genetics (formerly Invitae), Labcorp); PubMed 20177705 (cited by Labcorp Genetics (formerly Invitae), Labcorp); PubMed 27894351 (cited by Labcorp Genetics (formerly Invitae), Labcorp).

NM_033028.5(BBS4):c.1264C>T (p.Gln422Ter)

Gene: BBS4 (Bardet-Biedl syndrome 4; plus strand). Cytogenetic location: 15q24.1.
Variant type: single nucleotide variant.
Coding change: c.1264C>T on transcript NM_033028.5 (MANE Select); coding-DNA position 1264, C replaced by T.
Protein change: p.Gln422Ter; replaces glutamine 422 with a stop codon.
Molecular consequence: nonsense. On other transcripts: non-coding transcript variant (2).
Genome position (GRCh38, 1-based): chr15:72,736,777, C>T. VCF-style: chr15-72736777-C-T. GRCh37 (hg19) VCF-style: chr15-73029118-C-T.
Other names: c.748C>T, p.Gln250Ter (NM_001252678.2); c.1195C>T, p.Gln399Ter (NM_001320665.2); short protein forms Q399*, Q250*, Q422*.
Identifiers: ClinVar variation 2185519 (VCV002185519.6), dbSNP rs780827837, ClinGen allele CA7646981.